The following is an entry in ClinVar:

ClinVar aggregate classification (germline): Uncertain significance (1 of 4 stars; one submission).

Submission:

Labcorp Genetics (formerly Invitae), Labcorp
Classification: Uncertain significance. Last evaluated: 2022-04-20. Review status: criteria provided, single submitter. Criteria: Invitae Variant Classification Sherloc (09022015). Collection method: clinical testing. Allele origin: germline.
Comment: In summary, the available evidence is currently insufficient to determine the role of this variant in disease. Therefore, it has been classified as a Variant of Uncertain Significance. Algorithms developed to predict the effect of missense changes on protein structure and function output the following: SIFT: "Tolerated"; PolyPhen-2: "Benign"; Align-GVGD: "Class C0". The histidine amino acid residue is found in multiple mammalian species, which suggests that this missense change does not adversely affect protein function. This variant has not been reported in the literature in individuals affected with LRRK1-related conditions. This variant is not present in population databases (gnomAD no frequency). This sequence change replaces glutamine, which is neutral and polar, with histidine, which is basic and polar, at codon 1591 of the LRRK1 protein (p.Gln1591His).

NM_024652.6(LRRK1):c.4773G>C (p.Gln1591His)

Genes: LRRK1 (leucine rich repeat kinase 1; plus strand), LRRK1-AS1 (LRRK1 antisense RNA 1; minus strand). Cytogenetic location: 15q26.3.
Variant type: single nucleotide variant.
Coding change: c.4773G>C on transcript NM_024652.6 (MANE Select); coding-DNA position 4773, G replaced by C.
Protein change: p.Gln1591His; replaces glutamine 1591 with histidine.
Molecular consequence: missense variant.
Genome position (GRCh38, 1-based): chr15:101,061,264, G>C. VCF-style: chr15-101061264-G-C. GRCh37 (hg19) VCF-style: chr15-101601469-G-C.
Other names: short protein forms Q1591H.
Identifiers: ClinVar variation 2128425 (VCV002128425.4), dbSNP rs2505498672, ClinGen allele CA393957042.